The following is an entry in ClinVar:

NM_004204.5(PIGQ):c.34G>A (p.Val12Ile)

Gene: PIGQ (phosphatidylinositol glycan anchor biosynthesis class Q; plus strand). Cytogenetic location: 16p13.3.
Variant type: single nucleotide variant.
Coding change: c.34G>A on transcript NM_004204.5 (MANE Select); coding-DNA position 34, G replaced by A.
Protein change: p.Val12Ile; replaces valine 12 with isoleucine.
Molecular consequence: missense variant.
Genome position (GRCh38, 1-based): chr16:574,108, G>A. VCF-style: chr16-574108-G-A. GRCh37 (hg19) VCF-style: chr16-624108-G-A.
Other names: p.Val12Ile; c.34G>A, p.Val12Ile (NM_148920.4); c.34G>A (NM_148920.1, NM_004204.4); short protein forms V12I.
Identifiers: ClinVar variation 456045 (VCV000456045.17), dbSNP rs11864607, ClinGen allele CA7779757.

ClinVar aggregate classification (germline): Benign/Likely benign. Review status: criteria provided, multiple submitters, no conflicts (2 of 4 stars). 6 submissions from 6 submitters: Benign (4); Likely benign (2). Last evaluated 2026-01-28.

Conditions:
Inborn genetic diseases. Identifiers: MedGen C0950123, MeSH D030342.
Epilepsy. Also called: Seizure disorder. Identifiers: MedGen C0014544, MeSH D004827, MONDO:0005027.
PIGQ-related disorder. Also called: PIGQ-related condition.

Allele frequency attached by ClinVar (database versions not stated): gnomAD exomes 0.00028 and 0.00083; ExAC 0.00097; gnomAD 0.00259 and 0.00271; TOPMed 0.00273; ESP Exome Variant Server 0.00300; 1000 Genomes Project 0.00399; 1000 Genomes Project 30x 0.00422.

Submissions (6):

Labcorp Genetics (formerly Invitae), Labcorp
Classification: Benign for Epilepsy. Last evaluated: 2026-01-28. Review status: criteria provided, single submitter. Criteria: Invitae Variant Classification Sherloc (09022015). Collection method: clinical testing. Allele origin: germline.

Ambry Genetics
Classification: Likely benign for Inborn genetic diseases. Last evaluated: 2025-08-22. Review status: criteria provided, single submitter. Criteria: Ambry Variant Classification Scheme 2023. Collection method: clinical testing. Allele origin: germline.

Mayo Clinic Laboratories, Mayo Clinic
Classification: Benign. Last evaluated: 2025-01-21. Review status: criteria provided, single submitter. Criteria: ACMG Guidelines, 2015. Collection method: clinical testing. Allele origin: germline. Observed: 1 variant allele.
Comment: BA1

Blueprint Genetics
Classification: Likely benign. Last evaluated: 2024-11-25. Review status: criteria provided, single submitter. Criteria: ACMG Guidelines, 2015. Collection method: clinical testing. Allele origin: germline.

PreventionGenetics, part of Exact Sciences
Classification: Benign for PIGQ-related condition. Last evaluated: 2024-10-03. Review status: criteria provided, single submitter. Criteria: ACMG Guidelines, 2015. Collection method: clinical testing. Allele origin: germline.
Comment: This variant is classified as benign based on ACMG/AMP sequence variant interpretation guidelines (Richards et al. 2015 PMID: 25741868, with internal and published modifications).

Breakthrough Genomics
Classification: Benign. Review status: criteria provided, single submitter. Criteria: ACMG Guidelines, 2015. Collection method: not provided. Allele origin: germline. Inheritance: Autosomal recessive inheritance. Affected: yes.